The following is an entry in ClinVar:

ClinVar aggregate classification (germline): Uncertain significance. Review status: criteria provided, multiple submitters, no conflicts (2 of 4 stars). 2 submissions from 2 submitters: Uncertain significance (2). Last evaluated 2025-12-22.

Allele frequency attached by ClinVar (database versions not stated): ExAC 0.00001; TOPMed 0.00005; ESP Exome Variant Server 0.00008; gnomAD 0.00010.

Submissions (2):

Ambry Genetics
Classification: Uncertain significance. Last evaluated: 2025-12-22. Review status: criteria provided, single submitter. Criteria: Ambry Variant Classification Scheme 2023. Collection method: clinical testing. Allele origin: germline.

Labcorp Genetics (formerly Invitae), Labcorp
Classification: Uncertain significance. Last evaluated: 2025-08-04. Review status: criteria provided, single submitter. Criteria: Invitae Variant Classification Sherloc (09022015). Collection method: clinical testing. Allele origin: germline.
Comment: This sequence change replaces glycine, which is neutral and non-polar, with arginine, which is basic and polar, at codon 109 of the SP7 protein (p.Gly109Arg). This variant is present in population databases (rs377216400, gnomAD 0.01%). This variant has not been reported in the literature in individuals affected with SP7-related conditions. ClinVar contains an entry for this variant (Variation ID: 2187147). An algorithm developed to predict the effect of missense changes on protein structure and function (PolyPhen-2) suggests that this variant is likely to be tolerated. In summary, the available evidence is currently insufficient to determine the role of this variant in disease. Therefore, it has been classified as a Variant of Uncertain Significance.

NM_001173467.3(SP7):c.325G>A (p.Gly109Arg)

Gene: SP7 (Sp7 transcription factor; minus strand). Cytogenetic location: 12q13.13.
Variant type: single nucleotide variant.
Coding change: c.325G>A on transcript NM_001173467.3 (MANE Select); coding-DNA position 325, G replaced by A.
Protein change: p.Gly109Arg; replaces glycine 109 with arginine.
Molecular consequence: missense variant.
Genome position (GRCh38, 1-based): chr12:53,329,117, C>T on the plus strand (G>A on the coding strand, the complement: SP7 is on the minus strand). VCF-style: chr12-53329117-C-T. GRCh37 (hg19) VCF-style: chr12-53722901-C-T.
Other names: c.271G>A, p.Gly91Arg (NM_001300837.2); c.325G>A, p.Gly109Arg (NM_152860.2); c.325G>A (NM_001173467.1); short protein forms G91R, G109R.
Identifiers: ClinVar variation 2187147 (VCV002187147.5), dbSNP rs377216400, ClinGen allele CA6599583.
Genomic context (GRCh38, chr12:53,329,117, plus strand): 5'-GAGAGGTGTAGACACTGGGCAGACAGTCAGAAGAGCTGTGCCCCTTGGGCACTAGTAGCC[C>T]AGGGTCCTGGGTGCCTGTGGGCCCAGGGAATGAGTGGGAAAAGGGAGGGTAATCATTAGC-3'
Protein context (NP_001166938.1, residues 99-119): FPGPTGTQDP[Gly109Arg]LLVPKGHSSS